The following is an entry in ClinVar:

NM_000059.4(BRCA2):c.5145G>C (p.Leu1715Phe)

Gene: BRCA2 (BRCA2 DNA repair associated; plus strand). Cytogenetic location: 13q13.1.
Variant type: single nucleotide variant.
Coding change: c.5145G>C on transcript NM_000059.4 (MANE Select); coding-DNA position 5145, G replaced by C.
Protein change: p.Leu1715Phe; replaces leucine 1715 with phenylalanine.
Molecular consequence: missense variant.
Genome position (GRCh38, 1-based): chr13:32,339,500, G>C. VCF-style: chr13-32339500-G-C. GRCh37 (hg19) VCF-style: chr13-32913637-G-C.
Other names: short protein forms L1715F.
Identifiers: ClinVar variation 573428 (VCV000573428.13), dbSNP rs1566231804, ClinGen allele CA387784206.
Genomic context (GRCh38, chr13:32,339,500, plus strand): 5'-AGGAATATTTGATGGTCAACCAGAAAGAATAAATACTGCAGATTATGTAGGAAATTATTT[G>C]TATGAAAATAATTCAAACAGTACTATAGCTGAAAATGACAAAAATCATCTCTCCGAAAAA-3'
Protein context (NP_000050.3, residues 1705-1725): INTADYVGNY[Leu1715Phe]YENNSNSTIA

ClinVar aggregate classification (germline): Conflicting classifications of pathogenicity. Review status: criteria provided, conflicting classifications (1 of 4 stars). 3 submissions from 3 submitters: Uncertain significance (2); Likely benign (1). Last evaluated 2024-10-12.

Conditions:
Hereditary breast ovarian cancer syndrome. Also called: BRCA1- and BRCA2-Associated Hereditary Breast and Ovarian Cancer; Hereditary breast and ovarian cancer; Hereditary breast and/or ovarian cancer syndrome; Hereditary breast and ovarian cancer syndrome; Hereditary breast and ovarian cancer syndrome (HBOC); Breast and ovarian cancer. Identifiers: Orphanet 145, MedGen C0677776, MeSH D061325, MONDO:0003582. Disease mechanism: loss of function.
Hereditary cancer-predisposing syndrome. Also called: Neoplastic Syndromes, Hereditary; Hereditary Cancer Syndrome; Tumor predisposition; Hereditary neoplastic syndrome. Identifiers: Orphanet 140162, MedGen C0027672, MeSH D009386, MONDO:0015356.

Submissions (3):

Ambry Genetics
Classification: Uncertain significance for Hereditary cancer-predisposing syndrome. Last evaluated: 2024-10-12. Review status: criteria provided, single submitter. Criteria: Ambry Variant Classification Scheme 2023. Collection method: clinical testing. Allele origin: germline.
Comment: The p.L1715F variant (also known as c.5145G>C), located in coding exon 10 of the BRCA2 gene, results from a G to C substitution at nucleotide position 5145. The leucine at codon 1715 is replaced by phenylalanine, an amino acid with highly similar properties. This amino acid position is poorly conserved in available vertebrate species. In addition, this alteration is predicted to be tolerated by in silico analysis. Since supporting evidence is limited at this time, the clinical significance of this alteration remains unclear.

Labcorp Genetics (formerly Invitae), Labcorp
Classification: Uncertain significance for Hereditary breast ovarian cancer syndrome. Last evaluated: 2023-05-16. Review status: criteria provided, single submitter. Criteria: Invitae Variant Classification Sherloc (09022015). Collection method: clinical testing. Allele origin: germline.
Comment: In summary, the available evidence is currently insufficient to determine the role of this variant in disease. Therefore, it has been classified as a Variant of Uncertain Significance. This sequence change replaces leucine, which is neutral and non-polar, with phenylalanine, which is neutral and non-polar, at codon 1715 of the BRCA2 protein (p.Leu1715Phe). Advanced modeling of protein sequence and biophysical properties (such as structural, functional, and spatial information, amino acid conservation, physicochemical variation, residue mobility, and thermodynamic stability) performed at Invitae indicates that this missense variant is not expected to disrupt BRCA2 protein function. ClinVar contains an entry for this variant (Variation ID: 573428). This variant has not been reported in the literature in individuals affected with BRCA2-related conditions. This variant is not present in population databases (gnomAD no frequency).

University of Washington Department of Laboratory Medicine, University of Washington
Classification: Likely benign for Hereditary cancer-predisposing syndrome. Last evaluated: 2023-03-23. Review status: criteria provided, single submitter. Criteria: Dines et al. (Genet Med. 2020). Collection method: curation. Allele origin: germline.
Comment: Missense variant in a coldspot region where missense variants are very unlikely to be pathogenic (PMID:31911673).

BRCA2 exon 11 coldspot. Reclassification based on statistical prior probability.